The following is an entry in ClinVar:

ClinVar aggregate classification (germline): Uncertain significance. Review status: criteria provided, multiple submitters, no conflicts (2 of 4 stars). 5 submissions from 5 submitters: Uncertain significance (5). Last evaluated 2025-05-29.

Conditions:
Inborn genetic diseases. Identifiers: MedGen C0950123, MeSH D030342.
Muscular dystrophy-dystroglycanopathy (congenital with brain and eye anomalies), type A2. Also called: MUSCULAR DYSTROPHY-DYSTROGLYCANOPATHY (CONGENITAL WITH BRAIN AND EYE ANOMALIES), TYPE A, 2; WALKER-WARBURG SYNDROME OR MUSCLE-EYE-BRAIN DISEASE, POMT2-RELATED. Identifiers: Orphanet 588, Orphanet 899, MedGen C3150411, MONDO:0013154, OMIM 613150.
Muscular dystrophy-dystroglycanopathy (congenital with impaired intellectual development), type B, 2. Also called: Muscular dystrophy-dystroglycanopathy (congenital with intellectual disability), type B2; MUSCULAR DYSTROPHY, CONGENITAL, POMT2-RELATED. Identifiers: MedGen C3150416, MONDO:0013160, OMIM 613156.
Autosomal recessive limb-girdle muscular dystrophy type 2N. Also called: Muscular dystrophy-dystroglycanopathy (limb-girdle), type C, 2; MUSCULAR DYSTROPHY-DYSTROGLYCANOPATHY, LIMB-GIRDLE, POMT2-RELATED. Identifiers: Orphanet 206559, MedGen C3150418, MONDO:0013162, OMIM 613158.

Allele frequency attached by ClinVar (database versions not stated): gnomAD exomes 0.00005 and 0.00025; ESP Exome Variant Server 0.00015; gnomAD 0.00008; ExAC 0.00005.
gnomAD v4.1: 318 of 1,396,564 alleles (0.023%); highest among the groups gnomAD compares: Non-Finnish European, 0.029%; no homozygotes.

Submissions (5):

Revvity Omics, Revvity
Classification: Uncertain significance. Last evaluated: 2025-05-29. Review status: criteria provided, single submitter. Criteria: ACMG Guidelines, 2015. Collection method: clinical testing. Allele origin: germline.

Ambry Genetics
Classification: Uncertain significance for Inborn genetic diseases. Last evaluated: 2023-12-28. Review status: criteria provided, single submitter. Criteria: Ambry Variant Classification Scheme 2023. Collection method: clinical testing. Allele origin: germline.

Athena Diagnostics
Classification: Uncertain significance. Last evaluated: 2023-03-30. Review status: criteria provided, single submitter. Criteria: Athena Diagnostics Criteria. Collection method: clinical testing. Allele origin: unknown.
Comment: Available data are insufficient to determine the clinical significance of the variant at this time. The frequency of this variant in the general population is uninformative in assessment of its pathogenicity. Computational tools disagree on the variant's effect on normal protein function.

Labcorp Genetics (formerly Invitae), Labcorp
Classification: Uncertain significance for Muscular dystrophy-dystroglycanopathy (congenital with impaired intellectual development), type B, 2; Muscular dystrophy-dystroglycanopathy (congenital with brain and eye anomalies), type A2; Autosomal recessive limb-girdle muscular dystrophy type 2N. Last evaluated: 2022-06-22. Review status: criteria provided, single submitter. Criteria: Invitae Variant Classification Sherloc (09022015). Collection method: clinical testing. Allele origin: germline.
Comment: This sequence change replaces tyrosine, which is neutral and polar, with histidine, which is basic and polar, at codon 381 of the POMT2 protein (p.Tyr381His). This variant is present in population databases (rs369489033, gnomAD 0.01%). This variant has not been reported in the literature in individuals affected with POMT2-related conditions. ClinVar contains an entry for this variant (Variation ID: 500176). Algorithms developed to predict the effect of missense changes on protein structure and function (SIFT, PolyPhen-2, Align-GVGD) all suggest that this variant is likely to be tolerated. In summary, the available evidence is currently insufficient to determine the role of this variant in disease. Therefore, it has been classified as a Variant of Uncertain Significance.

Eurofins Ntd Llc (ga)
Classification: Uncertain significance. Last evaluated: 2017-01-30. Review status: criteria provided, single submitter. Criteria: EGL Classification Definitions 2015. Collection method: clinical testing. Allele origin: germline. Observed: 1 variant allele, 1 heterozygote.

NM_013382.7(POMT2):c.1141T>C (p.Tyr381His)

Gene: POMT2 (protein O-mannosyltransferase 2; minus strand). Cytogenetic location: 14q24.3.
Variant type: single nucleotide variant.
Coding change: c.1141T>C on transcript NM_013382.7 (MANE Select); coding-DNA position 1141, T replaced by C.
Protein change: p.Tyr381His; replaces tyrosine 381 with histidine.
Molecular consequence: missense variant.
Genome position (GRCh38, 1-based): chr14:77,291,356, A>G on the plus strand (T>C on the coding strand, the complement: POMT2 is on the minus strand). VCF-style: chr14-77291356-A-G. GRCh37 (hg19) VCF-style: chr14-77757699-A-G.
Other names: short protein forms Y381H.
Identifiers: ClinVar variation 500176 (VCV000500176.14), dbSNP rs369489033, ClinGen allele CA7285957.